The following is an entry in ClinVar:

NM_130466.4(UBE3B):c.1956C>A (p.Asn652Lys)

Gene: UBE3B (ubiquitin protein ligase E3B; plus strand). Cytogenetic location: 12q24.11.
Variant type: single nucleotide variant.
Coding change: c.1956C>A on transcript NM_130466.4 (MANE Select); coding-DNA position 1956, C replaced by A.
Protein change: p.Asn652Lys; replaces asparagine 652 with lysine.
Molecular consequence: missense variant.
Genome position (GRCh38, 1-based): chr12:109,511,303, C>A. VCF-style: chr12-109511303-C-A. GRCh37 (hg19) VCF-style: chr12-109949108-C-A.
Other names: c.1956C>A, p.Asn652Lys (NM_183415.3); short protein forms N652K.
Identifiers: ClinVar variation 1944845 (VCV001944845.5), dbSNP rs748711749, ClinGen allele CA386639275.

ClinVar aggregate classification (germline): Uncertain significance (1 of 4 stars; one submission).

gnomAD v4.1: 1 of 1,613,836 alleles (0.000062%); highest among the groups gnomAD compares: Non-Finnish European, 0.000085%; no homozygotes.

Submission:

Labcorp Genetics (formerly Invitae), Labcorp
Classification: Uncertain significance. Last evaluated: 2025-12-17. Review status: criteria provided, single submitter. Criteria: Invitae Variant Classification Sherloc (09022015). Collection method: clinical testing. Allele origin: germline.
Comment: This sequence change replaces asparagine, which is neutral and polar, with lysine, which is basic and polar, at codon 652 of the UBE3B protein (p.Asn652Lys). This variant is not present in population databases (gnomAD no frequency). This variant has not been reported in the literature in individuals affected with UBE3B-related conditions. ClinVar contains an entry for this variant (Variation ID: 1944845). An algorithm developed to predict the effect of missense changes on protein structure and function (PolyPhen-2) suggests that this variant is likely to be tolerated. In summary, the available evidence is currently insufficient to determine the role of this variant in disease. Therefore, it has been classified as a Variant of Uncertain Significance.